The following is an entry in ClinVar:

NM_000238.4(KCNH2):c.850_868del (p.Ser284fs)

Gene: KCNH2 (potassium voltage-gated channel subfamily H member 2; minus strand). Cytogenetic location: 7q36.1.
Variant type: Deletion.
Coding change: c.850_868del on transcript NM_000238.4 (MANE Select); coding-DNA positions 850 to 868, 19 bases deleted (TCGGCCGACGACATCGAGG).
Protein change: p.Ser284fs; shifts the reading frame from serine 284.
Molecular consequence: frameshift variant.
Genome position (GRCh38, 1-based): chr7:150,958,107-150,958,125, CCTCGATGTCGTCGGCCGA deleted on the plus strand (TCGGCCGACGACATCGAGG on the coding strand, the reverse complement: KCNH2 is on the minus strand); deleting any 19 consecutive bases within chr7:150,958,107-150,958,126 gives the same sequence; the c. name uses the placement nearest the transcript's 3' end. VCF-style (leftmost placement, unchanged base first): chr7-150958106-GCCTCGATGTCGTCGGCCGA-G. GRCh37 (hg19) VCF-style: chr7-150655194-GCCTCGATGTCGTCGGCCGA-G.
Other names: c.850_868delTCGGCCGACGACATCGAGG (NM_000238.2); c.561_579del19, p.Ser188Profs (NM_001406753.1, NM_001406756.1); c.672_690del19, p.Ser225Profs (NM_001406755.1); c.549_567del19, p.Ser184Profs (NM_001406757.1); c.849_867del19, p.Ser284Profs (NM_172056.3); short protein forms S284fs.
Identifiers: ClinVar variation 200616 (VCV000200616.12), dbSNP rs794728427, ClinGen allele CA008896.

ClinVar aggregate classification (germline): Pathogenic. Review status: criteria provided, multiple submitters, no conflicts (2 of 4 stars). 2 submissions from 2 submitters: Pathogenic (2). Last evaluated 2025-10-01.

Conditions:
Long QT syndrome (LQTS). Identifiers: MedGen C0023976, MeSH D008133, MONDO:0002442. Disease mechanism: loss of function. Inheritance: Various modes of inheritance.

Submissions (2):

GeneDx
Classification: Pathogenic. Last evaluated: 2025-10-01. Review status: criteria provided, single submitter. Criteria: GeneDx Variant Classification Process June 2021. Collection method: clinical testing. Allele origin: germline. Affected: yes.
Comment: Has not been previously published as pathogenic or benign to our knowledge; Not observed at significant frequency in large population cohorts (gnomAD); Frameshift variant predicted to result in protein truncation or nonsense mediated decay in a gene for which loss-of-function is a known mechanism of disease

Labcorp Genetics (formerly Invitae), Labcorp
Classification: Pathogenic for Long QT syndrome. Last evaluated: 2020-10-27. Review status: criteria provided, single submitter. Criteria: Invitae Variant Classification Sherloc (09022015). Collection method: clinical testing. Allele origin: germline.
Comment: For these reasons, this variant has been classified as Pathogenic. This variant has not been reported in the literature in individuals with KCNH2-related conditions. ClinVar contains an entry for this variant (Variation ID: 200616). The frequency data for this variant in the population databases is considered unreliable, as metrics indicate insufficient coverage at this position in the ExAC database. This sequence change creates a premature translational stop signal (p.Ser284Profs*70) in the KCNH2 gene. It is expected to result in an absent or disrupted protein product. Loss-of-function variants in KCNH2 are known to be pathogenic (PMID: 10973849, 19862833).

Literature cited by the submitters: PubMed 10973849 (cited by Labcorp Genetics (formerly Invitae), Labcorp); PubMed 19862833 (cited by Labcorp Genetics (formerly Invitae), Labcorp).